The following is an entry in ClinVar:

NM_020928.2(ZSWIM6):c.1336G>T (p.Ala446Ser)

Gene: ZSWIM6 (zinc finger SWIM-type containing 6; plus strand). Cytogenetic location: 5q12.1.
Variant type: single nucleotide variant.
Coding change: c.1336G>T on transcript NM_020928.2 (MANE Select); coding-DNA position 1336, G replaced by T.
Protein change: p.Ala446Ser; replaces alanine 446 with serine.
Molecular consequence: missense variant.
Genome position (GRCh38, 1-based): chr5:61,521,265, G>T. VCF-style: chr5-61521265-G-T. GRCh37 (hg19) VCF-style: chr5-60817092-G-T.
Other names: short protein forms A446S.
Identifiers: ClinVar variation 2180049 (VCV002180049.4), dbSNP rs1749113903, ClinGen allele CA359943067.

ClinVar aggregate classification (germline): Uncertain significance (1 of 4 stars; one submission).

Allele frequency attached by ClinVar (database versions not stated): gnomAD exomes below 0.00001; gnomAD 0.00001.
gnomAD v4.1: 3 of 1,340,208 alleles (0.00022%); highest among the groups gnomAD compares: Admixed American, 0.009%; no homozygotes.

Submission:

Labcorp Genetics (formerly Invitae), Labcorp
Classification: Uncertain significance. Last evaluated: 2022-04-04. Review status: criteria provided, single submitter. Criteria: Invitae Variant Classification Sherloc (09022015). Collection method: clinical testing. Allele origin: germline.
Comment: This variant has not been reported in the literature in individuals affected with ZSWIM6-related conditions. Algorithms developed to predict the effect of missense changes on protein structure and function (SIFT, PolyPhen-2, Align-GVGD) all suggest that this variant is likely to be tolerated. In summary, the available evidence is currently insufficient to determine the role of this variant in disease. Therefore, it has been classified as a Variant of Uncertain Significance. This variant is not present in population databases (gnomAD no frequency). This sequence change replaces alanine, which is neutral and non-polar, with serine, which is neutral and polar, at codon 446 of the ZSWIM6 protein (p.Ala446Ser).